The following is an entry in ClinVar:

NM_000782.5(CYP24A1):c.364G>T (p.Glu122Ter)

Gene: CYP24A1 (cytochrome P450 family 24 subfamily A member 1; minus strand). Cytogenetic location: 20q13.2.
Variant type: single nucleotide variant.
Coding change: c.364G>T on transcript NM_000782.5 (MANE Select); coding-DNA position 364, G replaced by T.
Protein change: p.Glu122Ter; replaces glutamic acid 122 with a stop codon.
Molecular consequence: nonsense.
Genome position (GRCh38, 1-based): chr20:54,172,994, C>A on the plus strand (G>T on the coding strand, the complement: CYP24A1 is on the minus strand). VCF-style: chr20-54172994-C-A. GRCh37 (hg19) VCF-style: chr20-52789533-C-A.
Other names: c.364G>T, p.Glu122Ter (NM_001128915.2); short protein forms E122*.
Identifiers: ClinVar variation 2506945 (VCV002506945.3), dbSNP rs762334108, ClinGen allele CA409393123.
Genomic context (GRCh38, chr20:54,172,994, plus strand): 5'-TGCGGTAGTCGCGATAGGCCTTCCACGGTTTGATCTCCAGCCGCTGCGGGTACGCGCTCT[C>A]GGTGCGGTACAGCGCTTCCAGCAGGCATGGCGAGCCCAGGTGCACCGACTCAAAGGAACC-3'

ClinVar aggregate classification (germline): Pathogenic. Review status: criteria provided, multiple submitters, no conflicts (2 of 4 stars). 2 submissions from 2 submitters: Pathogenic (2). Last evaluated 2025-05-01.

Conditions:
Hypercalcemia, infantile, 1 (HCINF1). Identifiers: Orphanet 300547, MedGen CN031131, MONDO:0020739, OMIM 143880.

Submissions (2):

Rare Kidney Stone Consortium and the Mayo Clinic Hyperoxaluria Center, Mayo Clinic
Classification: Pathogenic for Hypercalcemia, infantile, 1. Last evaluated: 2025-05-01. Review status: criteria provided, single submitter. Criteria: ACMG Guidelines, 2015. Collection method: research. Allele origin: germline. Affected: yes.
Comment: ACMG: PVS1, PM2, PP4

Molecular Diagnostics Lab, Nemours Children's Health, Delaware
Classification: Pathogenic for Hypercalcemia, infantile, 1. Last evaluated: 2019-12-16. Review status: criteria provided, single submitter. Criteria: ACMG Guidelines, 2015. Collection method: clinical testing. Allele origin: unknown. Affected: yes. Observed: 2 compound heterozygotes. Clinical features observed: Nephrocalcinosis (HP:0000121), Infantile hypercalcemia (HP:0008250), Failure to thrive (HP:0001508).

Literature cited by the submitters: PubMed 34805638 (cited by Rare Kidney Stone Consortium and the Mayo Clinic Hyperoxaluria Center, Mayo Clinic).